The following is an entry in ClinVar:

ClinVar aggregate classification (germline): Uncertain significance (1 of 4 stars; one submission).

Conditions:
Inborn genetic diseases. Identifiers: MedGen C0950123, MeSH D030342.

gnomAD v4.1: 2 of 1,610,412 alleles (0.00012%); highest among the groups gnomAD compares: South Asian, 0.0011%; no homozygotes.

Submission:

Ambry Genetics
Classification: Uncertain significance for Inborn genetic diseases. Last evaluated: 2026-03-12. Review status: criteria provided, single submitter. Criteria: Ambry Variant Classification Scheme 2023. Collection method: clinical testing. Allele origin: germline.
Comment: The p.H2016Y variant (also known as c.6046C>T), located in coding exon 23 of the FANCM gene, results from a C to T substitution at nucleotide position 6046. The histidine at codon 2016 is replaced by tyrosine, an amino acid with similar properties. This amino acid position is conserved. In addition, this alteration is predicted to be tolerated by in silico analysis. Based on the available evidence, the clinical significance of this variant remains unclear.

NM_020937.4(FANCM):c.6046C>T (p.His2016Tyr)

Gene: FANCM (FA complementation group M; plus strand). Cytogenetic location: 14q21.2.
Variant type: single nucleotide variant.
Coding change: c.6046C>T on transcript NM_020937.4 (MANE Select); coding-DNA position 6046, C replaced by T.
Protein change: p.His2016Tyr; replaces histidine 2016 with tyrosine.
Molecular consequence: missense variant.
Genome position (GRCh38, 1-based): chr14:45,199,907, C>T. VCF-style: chr14-45199907-C-T. GRCh37 (hg19) VCF-style: chr14-45669110-C-T.
Other names: c.5968C>T, p.His1990Tyr (NM_001308133.2); short protein forms H2016Y, H1990Y.
Identifiers: ClinVar variation 4826029 (VCV004826029.1).